The following is an entry in ClinVar:

ClinVar aggregate classification (germline): Uncertain significance (1 of 4 stars; one submission).

Conditions:
Charcot-Marie-Tooth disease dominant intermediate B (CMTDIB). Also called: CHARCOT-MARIE-TOOTH NEUROPATHY, DOMINANT INTERMEDIATE B; Charcot-Marie-Tooth disease dominant intermediate 1; CMT DI1; Charcot-Marie-Tooth disease dominant intermediate I. Identifiers: Orphanet 100044, Orphanet 228179, MedGen C1847902, MONDO:0011674, OMIM 606482.

Submission:

Labcorp Genetics (formerly Invitae), Labcorp
Classification: Uncertain significance for Charcot-Marie-Tooth disease dominant intermediate B. Last evaluated: 2022-04-07. Review status: criteria provided, single submitter. Criteria: Invitae Variant Classification Sherloc (09022015). Collection method: clinical testing. Allele origin: germline.
Comment: This sequence change replaces proline, which is neutral and non-polar, with arginine, which is basic and polar, at codon 852 of the DNM2 protein (p.Pro852Arg). In summary, the available evidence is currently insufficient to determine the role of this variant in disease. Therefore, it has been classified as a Variant of Uncertain Significance. Algorithms developed to predict the effect of missense changes on protein structure and function are either unavailable or do not agree on the potential impact of this missense change (SIFT: "Deleterious"; PolyPhen-2: "Not Available"; Align-GVGD: "Class C0"). This variant has not been reported in the literature in individuals affected with DNM2-related conditions. This variant is not present in population databases (gnomAD no frequency).

NM_001005361.3(DNM2):c.2555C>G (p.Pro852Arg)

Gene: DNM2 (dynamin 2; plus strand). Cytogenetic location: 19p13.2.
Variant type: single nucleotide variant.
Coding change: c.2555C>G on transcript NM_001005361.3 (MANE Select); coding-DNA position 2555, C replaced by G.
Protein change: p.Pro852Arg; replaces proline 852 with arginine.
Molecular consequence: missense variant.
Genome position (GRCh38, 1-based): chr19:10,830,989, C>G. VCF-style: chr19-10830989-C-G. GRCh37 (hg19) VCF-style: chr19-10941665-C-G.
Other names: c.2555C>G, p.Pro852Arg (NM_001005360.3); c.2543C>G, p.Pro848Arg (NM_001005362.3, NM_004945.4); c.2552C>G, p.Pro851Arg (NM_001190716.2); short protein forms P848R, P851R, P852R.
Identifiers: ClinVar variation 2122737 (VCV002122737.4), dbSNP rs2513382980, ClinGen allele CA404044497.